The following is an entry in ClinVar:

ClinVar aggregate classification (germline): Uncertain significance (1 of 4 stars; one submission).

Conditions:
Dilated cardiomyopathy 1G (CMD1G). Identifiers: Orphanet 154, MedGen C1858763, MONDO:0011400, OMIM 604145.
Autosomal recessive limb-girdle muscular dystrophy type 2J (LGMDR10). Also called: Limb-girdle muscular dystrophy, type 2J; MUSCULAR DYSTROPHY, LIMB-GIRDLE, AUTOSOMAL RECESSIVE 10. Identifiers: Orphanet 140922, MedGen C1837342, MONDO:0012127, OMIM 608807.

Submission:

Labcorp Genetics (formerly Invitae), Labcorp
Classification: Uncertain significance for Dilated cardiomyopathy 1G; Autosomal recessive limb-girdle muscular dystrophy type 2J. Last evaluated: 2018-09-10. Review status: criteria provided, single submitter. Criteria: Invitae Variant Classification Sherloc (09022015). Collection method: clinical testing. Allele origin: germline.
Comment: This sequence change replaces cysteine with arginine at codon 33670 of the TTN protein (p.Cys33670Arg). There is a large physicochemical difference between cysteine and arginine. This variant is not present in population databases (ExAC no frequency). This variant has not been reported in the literature in individuals with TTN-related disease. In summary, the available evidence is currently insufficient to determine the role of this variant in disease. Therefore, it has been classified as a Variant of Uncertain Significance. This variant is located in the M band of TTN (PMID: 25589632). Variants in this region may be relevant for neuromuscular disorders, but have not been definitively shown to cause cardiomyopathy (PMID: 23975875). Algorithms developed to predict the effect of missense changes on protein structure and function are unavailable for the TTN gene.

Literature cited by the submitters: PubMed 25589632; PubMed 23975875.

NM_001267550.2(TTN):c.101008T>C (p.Cys33670Arg)

Genes: TTN (titin; minus strand), TTN-AS1 (TTN antisense RNA 1; plus strand). Cytogenetic location: 2q31.2.
Variant type: single nucleotide variant.
Coding change: c.101008T>C on transcript NM_001267550.2 (MANE Select); coding-DNA position 101008, T replaced by C.
Protein change: p.Cys33670Arg; replaces cysteine 33670 with arginine.
Molecular consequence: missense variant.
Genome position (GRCh38, 1-based): chr2:178,535,607, A>G on the plus strand (T>C on the coding strand, the complement: TTN is on the minus strand). VCF-style: chr2-178535607-A-G. GRCh37 (hg19) VCF-style: chr2-179400334-A-G.
Other names: c.96085T>C, p.Cys32029Arg (NM_001256850.1); c.73813T>C, p.Cys24605Arg (NM_003319.4); c.93304T>C, p.Cys31102Arg (NM_133378.4); c.74188T>C, p.Cys24730Arg (NM_133432.3); c.74389T>C, p.Cys24797Arg (NM_133437.4); short protein forms C24730R, C31102R, C24797R, C32029R, C24605R, C33670R.
Identifiers: ClinVar variation 646245 (VCV000646245.7), dbSNP rs1575296634, ClinGen allele CA349422076.